The following is an entry in ClinVar:

ClinVar aggregate classification (germline): Uncertain significance (1 of 4 stars; one submission).

Conditions:
Adams-Oliver syndrome 5 (AOS5). Identifiers: Orphanet 974, MedGen C4014970, MONDO:0014459, OMIM 616028.

Submission:

Labcorp Genetics (formerly Invitae), Labcorp
Classification: Uncertain significance for Adams-Oliver syndrome 5. Last evaluated: 2025-06-25. Review status: criteria provided, single submitter. Criteria: Invitae Variant Classification Sherloc (09022015). Collection method: clinical testing. Allele origin: germline.
Comment: This sequence change falls in intron 9 of the NOTCH1 gene. It does not directly change the encoded amino acid sequence of the NOTCH1 protein. Information on the frequency of this variant in the gnomAD database is not available, as this variant may be reported differently in the database. This variant has not been reported in the literature in individuals affected with NOTCH1-related conditions. Experimental studies and prediction algorithms are not available or were not evaluated, and the effect of this variant on mRNA splicing is currently unknown. In summary, the available evidence is currently insufficient to determine the role of this variant in disease. Therefore, it has been classified as a Variant of Uncertain Significance.

NM_017617.5(NOTCH1):c.1555+10_1555+11delinsGG

Gene: NOTCH1 (notch receptor 1; minus strand). Cytogenetic location: 9q34.3.
Variant type: Indel.
Coding change: c.1555+10_1555+11delinsGG on transcript NM_017617.5 (MANE Select); bases 10 to 11 of the intron after coding-DNA position 1555, AC replaced by GG.
Molecular consequence: intron variant.
Genome position (GRCh38, 1-based): chr9:136,517,261-136,517,262, GT replaced by CC on the plus strand (AC replaced by GG on the coding strand, the reverse complement: NOTCH1 is on the minus strand). VCF-style: chr9-136517261-GT-CC. GRCh37 (hg19) VCF-style: chr9-139411713-GT-CC.
Identifiers: ClinVar variation 4722144 (VCV004722144.1).
Genomic context (GRCh38, chr9:136,517,261, plus strand): 5'-CCACGCCCAGGCACCCCTCAGGAGGCCAGGGTGCAGACGACCCGGGGGCAGGGGGCGGGG[GT>CC]GGCCCTCACCCGTGGGGCACTCGCACTGGAACTCATTGATCTTGTCCAGGCAGCGGCCAT-3'